The following is an entry in ClinVar:

ClinVar aggregate classification (germline): Conflicting classifications of pathogenicity. Review status: criteria provided, conflicting classifications (1 of 4 stars). 2 submissions from 2 submitters: Likely pathogenic (1); Uncertain significance (1). Last evaluated 2022-06-27.

Conditions:
ETFDH-related disorder. Also called: ETFDH-related condition.
Multiple acyl-CoA dehydrogenase deficiency (MADD). Also called: ETHYLMALONIC-ADIPICACIDURIA; GA II; Glutaric aciduria, type 2; Glutaric Acidemia type 2; Glutaric acidemia type II; GA 2. Identifiers: Orphanet 26791, MedGen C0268596, MONDO:0009282, OMIM 231680.

Allele frequency attached by ClinVar (database versions not stated): gnomAD exomes below 0.00001; ExAC 0.00001; gnomAD 0.00001; TOPMed 0.00001.
gnomAD v4.1: 6 of 1,576,680 alleles (0.00038%); highest among the groups gnomAD compares: Non-Finnish European, 0.00052%; no homozygotes.

Submissions (2):

Labcorp Genetics (formerly Invitae), Labcorp
Classification: Uncertain significance for Multiple acyl-CoA dehydrogenase deficiency. Last evaluated: 2022-06-27. Review status: criteria provided, single submitter. Criteria: Invitae Variant Classification Sherloc (09022015). Collection method: clinical testing. Allele origin: germline.
Comment: In summary, the available evidence is currently insufficient to determine the role of this variant in disease. Therefore, it has been classified as a Variant of Uncertain Significance. Variants that disrupt the consensus splice site are a relatively common cause of aberrant splicing (PMID: 17576681, 9536098). Algorithms developed to predict the effect of sequence changes on RNA splicing suggest that this variant may disrupt the consensus splice site. Experimental studies have shown that this variant affects ETFDH function (PMID: 22611163). Algorithms developed to predict the effect of missense changes on protein structure and function are either unavailable or do not agree on the potential impact of this missense change (SIFT: "Deleterious"; PolyPhen-2: "Probably Damaging"; Align-GVGD: "Class C15"). This variant has been observed in individual(s) with multiple Acyl-CoA dehydrogenase deficiency (PMID: 17584774). This variant is present in population databases (rs759044284, gnomAD 0.002%). This sequence change affects codon 429 of the ETFDH mRNA. It is a 'silent' change, meaning that it does not change the encoded amino acid sequence of the ETFDH protein. This variant also falls at the last nucleotide of exon 10, which is part of the consensus splice site for this exon.

Blueprint Genetics
Classification: Likely pathogenic for ETFDH-related disorders. Last evaluated: 2021-07-07. Review status: criteria provided, single submitter. Criteria: ACMG Guidelines, 2015. Collection method: clinical testing. Allele origin: germline. Affected: yes. Observed: 2 variant alleles.

Literature cited by the submitters: PubMed 17576681 (cited by Labcorp Genetics (formerly Invitae), Labcorp); PubMed 9536098 (cited by Labcorp Genetics (formerly Invitae), Labcorp); PubMed 22611163 (cited by Labcorp Genetics (formerly Invitae), Labcorp); PubMed 17584774 (cited by Labcorp Genetics (formerly Invitae), Labcorp).

NM_004453.4(ETFDH):c.1285G>C (p.Gly429Arg)

Gene: ETFDH (electron transfer flavoprotein dehydrogenase; plus strand). Cytogenetic location: 4q32.1.
Variant type: single nucleotide variant.
Coding change: c.1285G>C on transcript NM_004453.4 (MANE Select); coding-DNA position 1285, G replaced by C.
Protein change: p.Gly429Arg; replaces glycine 429 with arginine.
Molecular consequence: missense variant.
Genome position (GRCh38, 1-based): chr4:158,703,591, G>C. VCF-style: chr4-158703591-G-C. GRCh37 (hg19) VCF-style: chr4-159624743-G-C.
Other names: c.1144G>C, p.Gly382Arg (NM_001281737.2); c.1102G>C, p.Gly368Arg (NM_001281738.1); short protein forms G429R, G368R, G382R.
Identifiers: ClinVar variation 2203586 (VCV002203586.5), dbSNP rs759044284, ClinGen allele CA3122580.
Genomic context (GRCh38, chr4:158,703,591, plus strand): 5'-TTAGCAGCAGAATCTATTTTTAATCAACTAACTAGTGAAAATCTCCAATCAAAGACAATA[G>C]GTAAGAAATTCCTGTGTAAAGTATACAAAAGAAAATTGCTGGGTTATGTGTATTTCAATT-3'
Protein context (NP_004444.2, residues 419-439): TSENLQSKTI[Gly429Arg]LHVTEYEDNL